The following is an entry in ClinVar:

NM_199242.3(UNC13D):c.247C>T (p.Arg83Ter)

Gene: UNC13D (unc-13 homolog D; minus strand). Cytogenetic location: 17q25.1.
Variant type: single nucleotide variant.
Coding change: c.247C>T on transcript NM_199242.3 (MANE Select); coding-DNA position 247, C replaced by T.
Protein change: p.Arg83Ter; replaces arginine 83 with a stop codon.
Molecular consequence: nonsense.
Genome position (GRCh38, 1-based): chr17:75,843,173, G>A on the plus strand (C>T on the coding strand, the complement: UNC13D is on the minus strand). VCF-style: chr17-75843173-G-A. GRCh37 (hg19) VCF-style: chr17-73839254-G-A.
Other names: short protein forms R83*.
Identifiers: ClinVar variation 631788 (VCV000631788.12), dbSNP rs1274685768, ClinGen allele CA401116746.

ClinVar aggregate classification (germline): Pathogenic/Likely pathogenic. Review status: criteria provided, multiple submitters, no conflicts (2 of 4 stars). 5 submissions from 5 submitters: Pathogenic (3); Likely pathogenic (2). Last evaluated 2025-12-15.

Conditions:
Autoinflammatory syndrome. Identifiers: Orphanet 93665, MedGen C3890737, MONDO:0019751.
Familial hemophagocytic lymphohistiocytosis (FHL). Also called: Familial erythrophagocytic lymphohistiocytosis; Familial histiocytic reticulosis; Hereditary hemophagocytic lymphohistiocytosis. Identifiers: Orphanet 158038, Orphanet 540, MedGen C0272199, MONDO:0015541.
Familial hemophagocytic lymphohistiocytosis 3 (FHL3). Also called: UNC13D-Related Familial Hemophagocytic Lymphohistiocytosis (UNC13D-fHLH). Identifiers: Orphanet 540, MedGen C1837174, MONDO:0012146, OMIM 608898.

Allele frequency attached by ClinVar (database versions not stated): gnomAD exomes below 0.00001 and 0.00001; TOPMed below 0.00001.

Submissions (5):

Women's Health and Genetics/Laboratory Corporation of America, LabCorp
Classification: Pathogenic for Familial hemophagocytic lymphohistiocytosis. Last evaluated: 2025-12-15. Review status: criteria provided, single submitter. Criteria: LabCorp Variant Classification Summary - May 2015. Collection method: clinical testing. Allele origin: germline.
Comment: Variant summary: UNC13D c.247C>T (p.Arg83X) results in a premature termination codon, predicted to cause a truncation of the encoded protein or absence of the protein due to nonsense mediated decay, which are commonly known mechanisms for disease. The variant allele was found at a frequency of 4e-06 in 249458 control chromosomes. c.247C>T has been observed in individual(s) affected with Familial Hemophagocytic Lymphohistiocytosis (e.g. Sieni_2011). These data indicate that the variant is likely associated with disease. The following publication has been ascertained in the context of this evaluation (PMID: 21248318). ClinVar contains an entry for this variant (Variation ID: 631788). Based on the evidence outlined above, the variant was classified as pathogenic.

Labcorp Genetics (formerly Invitae), Labcorp
Classification: Pathogenic for Familial hemophagocytic lymphohistiocytosis 3. Last evaluated: 2025-11-23. Review status: criteria provided, single submitter. Criteria: Invitae Variant Classification Sherloc (09022015). Collection method: clinical testing. Allele origin: germline.
Comment: This sequence change creates a premature translational stop signal (p.Arg83*) in the UNC13D gene. It is expected to result in an absent or disrupted protein product. Loss-of-function variants in UNC13D are known to be pathogenic (PMID: 14622600). This variant is present in population databases (no rsID available, gnomAD 0.006%). This premature translational stop signal has been observed in individual(s) with hemophagocytic lymphohistiocytosis (PMID: 17993578, 34677667). ClinVar contains an entry for this variant (Variation ID: 631788). For these reasons, this variant has been classified as Pathogenic.

Fulgent Genetics
Classification: Pathogenic for Familial hemophagocytic lymphohistiocytosis 3. Last evaluated: 2024-04-30. Review status: criteria provided, single submitter. Criteria: ACMG Guidelines, 2015. Collection method: clinical testing. Allele origin: germline.

Illumina Laboratory Services, Illumina
Classification: Likely pathogenic for Familial hemophagocytic lymphohistiocytosis 3. Last evaluated: 2017-04-28. Review status: criteria provided, single submitter. Criteria: ICSL Variant Classification Criteria 09 May 2019. Collection method: clinical testing. Allele origin: germline.
Comment: The UNC13D c.247C>T (p.Arg83Ter) variant is a stop-gained variant that is predicted to result in a premature termination of the protein. The p.Arg83Ter variant has been reported in two studies and found in a total of two individuals affected with familial hemophagocytic lymphohistiocytosis, including one each in a homozygous and compound heterozygous state (Rudd et al. 2008; Seo et al. 2013). The variant was absent from 214 control individuals and is reported at a frequency of 0.000055 in the East Asian population of the Genome Aggregation Database but this is based on one allele only in a region of good sequence coverage so the variant is presumed to be rare. The truncation is predicted to result in complete loss of the region responsible for binding to Rab27a and association with secretory granules. Based on the potential impact of stop-gained variants and the evidence, the p.Arg83Ter variant is classified as likely pathogenic for familial hemophagocytic lymphohistiocytosis. This variant was observed by ICSL as part of a predisposition screen in an ostensibly healthy population.

Genome Diagnostics Laboratory, The Hospital for Sick Children
Classification: Likely pathogenic for Autoinflammatory syndrome. Last evaluated: 2016-12-12. Review status: criteria provided, single submitter. Criteria: ACMG Guidelines, 2015. Collection method: clinical testing. Allele origin: germline. Affected: yes.

Literature cited by the submitters: PubMed 21248318 (cited by Women's Health and Genetics/Laboratory Corporation of America, LabCorp); PubMed 14622600 (cited by Labcorp Genetics (formerly Invitae), Labcorp); PubMed 17993578 (cited by Labcorp Genetics (formerly Invitae), Labcorp and Illumina Laboratory Services, Illumina); PubMed 34677667 (cited by Labcorp Genetics (formerly Invitae), Labcorp); PubMed 23180437 (cited by Illumina Laboratory Services, Illumina).